The following is an entry in ClinVar:

ClinVar aggregate classification (germline): Uncertain significance. Review status: criteria provided, multiple submitters, no conflicts (2 of 4 stars). 2 submissions from 2 submitters: Uncertain significance (2). Last evaluated 2025-07-16.

Conditions:
DICER1-related tumor predisposition. Also called: DICER1-related pleuropulmonary blastoma cancer predisposition syndrome; DICER1 syndrome. Identifiers: Orphanet 284343, MedGen C3839822, MONDO:0100216.
Hereditary cancer-predisposing syndrome. Also called: Neoplastic Syndromes, Hereditary; Hereditary Cancer Syndrome; Hereditary neoplastic syndrome; Tumor predisposition. Identifiers: Orphanet 140162, MedGen C0027672, MeSH D009386, MONDO:0015356.

Allele frequency attached by ClinVar (database versions not stated): gnomAD 0.00001; TOPMed 0.00002.
gnomAD v4.1: 2 of 1,610,220 alleles (0.00012%); highest among the groups gnomAD compares: African/African-American, 0.0027%; no homozygotes.

Submissions (2):

Labcorp Genetics (formerly Invitae), Labcorp
Classification: Uncertain significance for DICER1-related tumor predisposition. Last evaluated: 2025-07-16. Review status: criteria provided, single submitter. Criteria: Invitae Variant Classification Sherloc (09022015). Collection method: clinical testing. Allele origin: germline.
Comment: This sequence change replaces alanine, which is neutral and non-polar, with threonine, which is neutral and polar, at codon 1409 of the DICER1 protein (p.Ala1409Thr). This variant is not present in population databases (gnomAD no frequency). This variant has not been reported in the literature in individuals affected with DICER1-related conditions. ClinVar contains an entry for this variant (Variation ID: 824693). Invitae Evidence Modeling of protein sequence and biophysical properties (such as structural, functional, and spatial information, amino acid conservation, physicochemical variation, residue mobility, and thermodynamic stability) indicates that this missense variant is not expected to disrupt DICER1 protein function with a negative predictive value of 95%. In summary, the available evidence is currently insufficient to determine the role of this variant in disease. Therefore, it has been classified as a Variant of Uncertain Significance.

Ambry Genetics
Classification: Uncertain significance for Hereditary cancer-predisposing syndrome. Last evaluated: 2024-03-09. Review status: criteria provided, single submitter. Criteria: Ambry Variant Classification Scheme 2023. Collection method: clinical testing. Allele origin: germline.
Comment: The p.A1409T variant (also known as c.4225G>A), located in coding exon 22 of the DICER1 gene, results from a G to A substitution at nucleotide position 4225. The alanine at codon 1409 is replaced by threonine, an amino acid with similar properties. This amino acid position is well conserved in available vertebrate species. In addition, the in silico prediction for this alteration is inconclusive. Since supporting evidence is limited at this time, the clinical significance of this alteration remains unclear.

NM_177438.3(DICER1):c.4225G>A (p.Ala1409Thr)

Gene: DICER1 (dicer 1, ribonuclease III; minus strand). Cytogenetic location: 14q32.13.
Variant type: single nucleotide variant.
Coding change: c.4225G>A on transcript NM_177438.3 (MANE Select); coding-DNA position 4225, G replaced by A.
Protein change: p.Ala1409Thr; replaces alanine 1409 with threonine.
Molecular consequence: missense variant.
Genome position (GRCh38, 1-based): chr14:95,096,695, C>T on the plus strand (G>A on the coding strand, the complement: DICER1 is on the minus strand). VCF-style: chr14-95096695-C-T. GRCh37 (hg19) VCF-style: chr14-95563032-C-T.
Other names: c.4225G>A, p.Ala1409Thr (NM_001195573.1, NM_001271282.3, NM_001291628.2 and 1 more transcripts); short protein forms A1409T.
Identifiers: ClinVar variation 824693 (VCV000824693.14), dbSNP rs1004274014, ClinGen allele CA265898516.